The following is an entry in ClinVar:

ClinVar aggregate classification (germline): Uncertain significance (1 of 4 stars; one submission).

Conditions:
Myofibrillar myopathy 5. Also called: FILAMINOPATHY, AUTOSOMAL DOMINANT; Filaminopathy (type). Identifiers: Orphanet 171445, MedGen C1836050, MONDO:0012289, OMIM 609524.
Hypertrophic cardiomyopathy 26. Also called: Cardiomyopathy, familial hypertrophic, 26. Identifiers: Orphanet 75249, MedGen C4310749, MONDO:0014883, OMIM 617047.
Distal myopathy with posterior leg and anterior hand involvement. Also called: WILLIAMS DISTAL MYOPATHY. Identifiers: Orphanet 63273, MedGen C3279722, MONDO:0013550, OMIM 614065.

Allele frequency attached by ClinVar (database versions not stated): gnomAD exomes below 0.00001; TOPMed below 0.00001.

Submission:

Labcorp Genetics (formerly Invitae), Labcorp
Classification: Uncertain significance for Distal myopathy with posterior leg and anterior hand involvement; Myofibrillar myopathy 5; Hypertrophic cardiomyopathy 26. Last evaluated: 2022-08-03. Review status: criteria provided, single submitter. Criteria: Invitae Variant Classification Sherloc (09022015). Collection method: clinical testing. Allele origin: germline.
Comment: Algorithms developed to predict the effect of missense changes on protein structure and function are either unavailable or do not agree on the potential impact of this missense change (SIFT: "Deleterious"; PolyPhen-2: "Possibly Damaging"; Align-GVGD: "Class C0"). This variant has not been reported in the literature in individuals affected with FLNC-related conditions. This variant is not present in population databases (gnomAD no frequency). This sequence change replaces alanine, which is neutral and non-polar, with threonine, which is neutral and polar, at codon 848 of the FLNC protein (p.Ala848Thr). In summary, the available evidence is currently insufficient to determine the role of this variant in disease. Therefore, it has been classified as a Variant of Uncertain Significance.

NM_001458.5(FLNC):c.2542G>A (p.Ala848Thr)

Gene: FLNC (filamin C; plus strand). Cytogenetic location: 7q32.1.
Variant type: single nucleotide variant.
Coding change: c.2542G>A on transcript NM_001458.5 (MANE Select); coding-DNA position 2542, G replaced by A.
Protein change: p.Ala848Thr; replaces alanine 848 with threonine.
Molecular consequence: missense variant.
Genome position (GRCh38, 1-based): chr7:128,842,946, G>A. VCF-style: chr7-128842946-G-A. GRCh37 (hg19) VCF-style: chr7-128483000-G-A.
Other names: c.2542G>A, p.Ala848Thr (NM_001127487.2); short protein forms A848T.
Identifiers: ClinVar variation 1982110 (VCV001982110.4), dbSNP rs1808402212, ClinGen allele CA369192048.
Genomic context (GRCh38, chr7:128,842,946, plus strand): 5'-ACCTTCACCGTCAAGTACACGCCACCAGGGGCGGGCCGCTACACCATCATGGTGCTGTTT[G>A]CCAACCAGGTACCTAAGCTCCTGGGTACTCACAGCGACATGCACCTGCCAGCTCCAGAAG-3'
Protein context (NP_001449.3, residues 838-858): AGRYTIMVLF[Ala848Thr]NQEIPASPFH